The following is an entry in ClinVar:

NM_015072.5(TTLL5):c.1947A>T (p.Lys649Asn)

Gene: TTLL5 (tubulin tyrosine ligase like 5; plus strand). Cytogenetic location: 14q24.3.
Variant type: single nucleotide variant.
Coding change: c.1947A>T on transcript NM_015072.5 (MANE Select); coding-DNA position 1947, A replaced by T.
Protein change: p.Lys649Asn; replaces lysine 649 with asparagine.
Molecular consequence: missense variant.
Genome position (GRCh38, 1-based): chr14:75,766,300, A>T. VCF-style: chr14-75766300-A-T. GRCh37 (hg19) VCF-style: chr14-76232643-A-T.
Other names: short protein forms K649N.
Identifiers: ClinVar variation 1375392 (VCV001375392.6), dbSNP rs1890966914, ClinGen allele CA390467651.

ClinVar aggregate classification (germline): Uncertain significance (1 of 4 stars; one submission).

Allele frequency attached by ClinVar (database versions not stated): gnomAD exomes below 0.00001; TOPMed below 0.00001; gnomAD 0.00001.
gnomAD v4.1: 3 of 1,613,952 alleles (0.00019%); highest among the groups gnomAD compares: Non-Finnish European, 0.00025%; no homozygotes.

Submission:

Labcorp Genetics (formerly Invitae), Labcorp
Classification: Uncertain significance. Last evaluated: 2022-07-18. Review status: criteria provided, single submitter. Criteria: Invitae Variant Classification Sherloc (09022015). Collection method: clinical testing. Allele origin: germline.
Comment: Algorithms developed to predict the effect of missense changes on protein structure and function (SIFT, PolyPhen-2, Align-GVGD) all suggest that this variant is likely to be tolerated. ClinVar contains an entry for this variant (Variation ID: 1375392). This variant has not been reported in the literature in individuals affected with TTLL5-related conditions. This variant is not present in population databases (gnomAD no frequency). This sequence change replaces lysine, which is basic and polar, with asparagine, which is neutral and polar, at codon 649 of the TTLL5 protein (p.Lys649Asn). In summary, the available evidence is currently insufficient to determine the role of this variant in disease. Therefore, it has been classified as a Variant of Uncertain Significance.